The following is an entry in ClinVar:

ClinVar aggregate classification (germline): Pathogenic. Review status: criteria provided, single submitter (1 of 4 stars). 2 submissions from 2 submitters: Pathogenic (1). 1 of the submissions does not count toward it. Last evaluated 2023-04-17.

Conditions:
Brachydactyly type B1 (BDB1). Identifiers: Orphanet 572385, Orphanet 93383, MedGen C1862112, MONDO:0007220, OMIM 113000.

Submissions (2):

GeneDx
Classification: Pathogenic. Last evaluated: 2023-04-17. Review status: criteria provided, single submitter. Criteria: GeneDx Variant Classification Process June 2021. Collection method: clinical testing. Allele origin: germline. Affected: yes.
Comment: Frameshift variant predicted to result in protein truncation, as the last 488 amino acids are replaced with 2 different amino acids, and other loss-of-function variants have been reported downstream in HGMD; Not observed at significant frequency in large population cohorts (gnomAD); This variant is associated with the following publications: (PMID: 19533773)

OMIM
Classification: Pathogenic for BRACHYDACTYLY, TYPE B1. Last evaluated: 2009-07-01. Review status: no assertion criteria provided. Collection method: literature only. Allele origin: germline. Not counted in ClinVar's aggregate classification.

Literature cited by the submitters: PubMed 19533773 (cited by OMIM).

NM_004560.4(ROR2):c.1366dup (p.Leu456fs)

Gene: ROR2 (receptor tyrosine kinase like orphan receptor 2; minus strand). Cytogenetic location: 9q22.31.
Variant type: Duplication.
Coding change: c.1366dup on transcript NM_004560.4 (MANE Select); coding-DNA position 1366, one base duplicated (C; older notation c.1366dupC).
Protein change: p.Leu456fs; shifts the reading frame from leucine 456.
Molecular consequence: frameshift variant. On other transcripts: 3 prime UTR variant (1).
Genome position (GRCh38, 1-based): chr9:91,726,561, G duplicated on the plus strand (C on the coding strand, the reverse complement: ROR2 is on the minus strand); the first of 4 consecutive G bases (chr9:91,726,561-91,726,564); duplicating any one gives the same sequence. VCF-style (leftmost placement, unchanged base first): chr9-91726560-A-AG. GRCh37 (hg19) VCF-style: chr9-94488842-A-AG.
Other names: c.1366dup (NM_004560.3); c.*33dup (NM_001318204.2); c.1366dupC (NM_004560.3); short protein forms L456fs.
Identifiers: ClinVar variation 7316 (VCV000007316.3), dbSNP rs1587657302, ClinGen allele CA913185051.
Genomic context (GRCh38, chr9:91,726,560, plus strand): 5'-CTGGAAGAGCCACCCGGGTAGAAAATGTAAGGCATGGAGACCTGTTTGTGCTGGTTAATG[A>AG]GGGGCATTTCCATGTCTTGGCTGGGCGAGGCCATCAGCTGTCGCCGCTGCGGTGTGGACG-3'